The following is an entry in ClinVar:

ClinVar aggregate classification (germline): Uncertain significance (1 of 4 stars; one submission).

Allele frequency attached by ClinVar (database versions not stated): TOPMed 0.00001; ExAC 0.00002; gnomAD 0.00002; gnomAD exomes 0.00003.
gnomAD v4.1: 22 of 1,612,814 alleles (0.0014%); highest among the groups gnomAD compares: Admixed American, 0.037%; no homozygotes.

Submission:

Labcorp Genetics (formerly Invitae), Labcorp
Classification: Uncertain significance. Last evaluated: 2025-12-01. Review status: criteria provided, single submitter. Criteria: Invitae Variant Classification Sherloc (09022015). Collection method: clinical testing. Allele origin: germline.
Comment: This sequence change falls in intron 12 of the NPAT gene. It does not directly change the encoded amino acid sequence of the NPAT protein. This variant is present in population databases (rs553359845, gnomAD 0.05%). This variant has not been reported in the literature in individuals affected with NPAT-related conditions. ClinVar contains an entry for this variant (Variation ID: 2714049). Algorithms developed to predict the effect of sequence changes on RNA splicing suggest that this variant may disrupt the consensus splice site. In summary, the available evidence is currently insufficient to determine the role of this variant in disease. Therefore, it has been classified as a Variant of Uncertain Significance.

NM_002519.3(NPAT):c.1133-6T>C

Gene: NPAT (nuclear protein, coactivator of histone transcription; minus strand). Cytogenetic location: 11q22.3.
Variant type: single nucleotide variant.
Coding change: c.1133-6T>C on transcript NM_002519.3 (MANE Select); 6 bases into the intron before coding-DNA position 1133, T replaced by C.
Molecular consequence: intron variant.
Genome position (GRCh38, 1-based): chr11:108,173,857, A>G on the plus strand (T>C on the coding strand, the complement: NPAT is on the minus strand). VCF-style: chr11-108173857-A-G. GRCh37 (hg19) VCF-style: chr11-108044584-A-G.
Other names: c.1133-6T>C (NM_001321307.1).
Identifiers: ClinVar variation 2714049 (VCV002714049.3), dbSNP rs553359845, ClinGen allele CA6264057.